The following is an entry in ClinVar:

NM_000883.4(IMPDH1):c.66_72dup (p.Gln25fs)

Genes: IMPDH1 (inosine monophosphate dehydrogenase 1; minus strand), LOC129999258 (ATAC-STARR-seq lymphoblastoid silent region 18606; plus strand). Cytogenetic location: 7q32.1.
Variant type: Microsatellite.
Coding change: c.66_72dup on transcript NM_000883.4 (MANE Select); coding-DNA positions 66 to 72, 7 bases duplicated (AGCCCGG; older notation c.66_72dupAGCCCGG).
Protein change: p.Gln25fs; shifts the reading frame from glutamine 25.
Molecular consequence: frameshift variant.
Genome position (GRCh38, 1-based): chr7:128,409,830-128,409,836, CCGGGCT duplicated on the plus strand (AGCCCGG on the coding strand, the reverse complement: IMPDH1 is on the minus strand); duplicating any 7 consecutive bases within chr7:128,409,830-128,409,847 gives the same sequence; the c. name uses the placement nearest the transcript's 3' end. VCF-style (leftmost placement, unchanged base first): chr7-128409829-G-GCCGGGCT. GRCh37 (hg19) VCF-style: chr7-128049883-G-GCCGGGCT.
Other names: c.66_72dup, p.Gln25fs (NM_001102605.2, NM_001142576.2, NM_001304521.2 and 1 more transcripts); short protein forms Q25fs.
Identifiers: ClinVar variation 193126 (VCV000193126.11), dbSNP rs767123748, ClinGen allele CA238635.
Genomic context (GRCh38, chr7:128,409,829, plus strand): 5'-AGCCGGCCTGCAGCAGTCGGGCGCTGTACCGCTGCGCCGCCGTCTCGTGTCCCGGGTGTT[G>GCCGGGCT]CCGGGCTCCGGGCTCCGGAACAGCGGCGGCTCCGCCTCCCTGCAGCGGTGGTGGAGTGAG-3'

ClinVar aggregate classification (germline): Conflicting classifications of pathogenicity. Review status: criteria provided, conflicting classifications (1 of 4 stars). 3 submissions from 3 submitters: Pathogenic (1); Uncertain significance (2). Last evaluated 2025-03-17.

Submissions (3):

Labcorp Genetics (formerly Invitae), Labcorp
Classification: Pathogenic. Last evaluated: 2025-03-17. Review status: criteria provided, single submitter. Criteria: Invitae Variant Classification Sherloc (09022015). Collection method: clinical testing. Allele origin: germline.
Comment: This sequence change creates a premature translational stop signal (p.Gln25Serfs*29) in the IMPDH1 gene. It is expected to result in an absent or disrupted protein product. Loss-of-function variants in IMPDH1 are known to be pathogenic (PMID: 14981049, 33090715). This variant is present in population databases (rs767123748, gnomAD 0.01%). This variant has not been reported in the literature in individuals affected with IMPDH1-related conditions. For these reasons, this variant has been classified as Pathogenic.

Blueprint Genetics
Classification: Uncertain significance. Last evaluated: 2024-05-24. Review status: criteria provided, single submitter. Criteria: ACMG Guidelines, 2015. Collection method: clinical testing. Allele origin: germline.

Eurofins Ntd Llc (ga)
Classification: Uncertain significance. Last evaluated: 2014-11-07. Review status: criteria provided, single submitter. Criteria: EGL Classification Definitions. Collection method: clinical testing. Allele origin: germline. Observed: 1 variant allele, 1 heterozygote.

Literature cited by the submitters: PubMed 14981049 (cited by Labcorp Genetics (formerly Invitae), Labcorp); PubMed 33090715 (cited by Labcorp Genetics (formerly Invitae), Labcorp).